The following is an entry in ClinVar:

ClinVar aggregate classification (germline): Likely benign (1 of 4 stars; one submission).

Submission:

CeGaT Center for Human Genetics Tuebingen
Classification: Likely benign. Last evaluated: 2023-06-01. Review status: criteria provided, single submitter. Criteria: CeGaT Center For Human Genetics Tuebingen Variant Classification Criteria Version 2. Collection method: clinical testing. Allele origin: germline. Affected: yes. Observed: 1 variant allele.
Comment: SATB2: PM2:Supporting, BP4, BP7

NM_001172509.2(SATB2):c.978C>A (p.Leu326=)

Gene: SATB2 (SATB homeobox 2; minus strand). Cytogenetic location: 2q33.1.
Variant type: single nucleotide variant.
Coding change: c.978C>A on transcript NM_001172509.2 (MANE Select); coding-DNA position 978, C replaced by A.
Protein change: p.Leu326=; no amino-acid change (leucine 326 retained).
Molecular consequence: synonymous variant.
Genome position (GRCh38, 1-based): chr2:199,348,896, G>T on the plus strand (C>A on the coding strand, the complement: SATB2 is on the minus strand). VCF-style: chr2-199348896-G-T. GRCh37 (hg19) VCF-style: chr2-200213619-G-T.
Other names: c.978C>A, p.Leu326= (NM_001172517.1, NM_015265.4).
Identifiers: ClinVar variation 2651803 (VCV002651803.24), dbSNP rs1559175026, ClinGen allele CA430835253.